The following is an entry in ClinVar:

NM_003873.7(NRP1):c.2657A>C (p.Asn886Thr)

Gene: NRP1 (neuropilin 1; minus strand). Cytogenetic location: 10p11.22.
Variant type: single nucleotide variant.
Coding change: c.2657A>C on transcript NM_003873.7 (MANE Select); coding-DNA position 2657, A replaced by C.
Protein change: p.Asn886Thr; replaces asparagine 886 with threonine.
Molecular consequence: missense variant. On other transcripts: non-coding transcript variant (1).
Genome position (GRCh38, 1-based): chr10:33,180,191, T>G on the plus strand (A>C on the coding strand, the complement: NRP1 is on the minus strand). VCF-style: chr10-33180191-T-G. GRCh37 (hg19) VCF-style: chr10-33469119-T-G.
Other names: c.2639A>C, p.Asn880Thr (NM_001244972.2); c.2636A>C, p.Asn879Thr (NM_001244973.2); c.2606A>C, p.Asn869Thr (NM_001330068.2); short protein forms N880T, N886T, N879T, N869T.
Identifiers: ClinVar variation 4979034 (VCV004979034.1).
Genomic context (GRCh38, chr10:33,180,191, plus strand): 5'-CCATCCACAAGTTCAAAGTTATAGTTCTCCAGGGCAGACAAGTTTCTTTCTGACATCCCA[T>G]TATGCCAACAGGCACAGTACAGCACGACCCCACAGACAGCCCCCAGGAGGACCCCCAGGG-3'
Protein context (NP_003864.5, residues 876-896): GVVLYCACWH[Asn886Thr]GMSERNLSAL

ClinVar aggregate classification (germline): Uncertain significance (1 of 4 stars; one submission).

Conditions:
NRP1-related disorder. Also called: NRP1-related condition.

gnomAD v4.1: 35 of 1,614,044 alleles (0.0022%); highest among the groups gnomAD compares: African/African-American, 0.047%; no homozygotes.

Submission:

PreventionGenetics, part of Exact Sciences
Classification: Uncertain significance for NRP1-related condition. Last evaluated: 2026-05-28. Review status: criteria provided, single submitter. Criteria: ACMG Guidelines, 2015. Collection method: clinical testing. Allele origin: germline.
Comment: The NRP1 c.2657A>C variant is predicted to result in the amino acid substitution p.Asn886Thr. To our knowledge, this variant has not been reported in the literature. This variant is reported in 0.072% of alleles in individuals of African descent in gnomAD, which may be too frequent to be an unreported primary cause of disease. Although we suspect that this variant may be benign, at this time, the clinical significance of this variant is uncertain due to the absence of conclusive functional and genetic evidence.